The following is an entry in ClinVar:

ClinVar aggregate classification (germline): Uncertain significance (1 of 4 stars; one submission).

Allele frequency attached by ClinVar (database versions not stated): gnomAD 0.00001; TOPMed 0.00002.
gnomAD v4.1: 9 of 1,613,998 alleles (0.00056%); highest among the groups gnomAD compares: South Asian, 0.0044%; 1 homozygote.

Submission:

Labcorp Genetics (formerly Invitae), Labcorp
Classification: Uncertain significance. Last evaluated: 2023-10-03. Review status: criteria provided, single submitter. Criteria: Invitae Variant Classification Sherloc (09022015). Collection method: clinical testing. Allele origin: germline.
Comment: This sequence change replaces arginine, which is basic and polar, with cysteine, which is neutral and slightly polar, at codon 1042 of the CNGB1 protein (p.Arg1042Cys). This variant is not present in population databases (gnomAD no frequency). This variant has not been reported in the literature in individuals affected with CNGB1-related conditions. ClinVar contains an entry for this variant (Variation ID: 1014095). Advanced modeling of protein sequence and biophysical properties (such as structural, functional, and spatial information, amino acid conservation, physicochemical variation, residue mobility, and thermodynamic stability) performed at Invitae indicates that this missense variant is expected to disrupt CNGB1 protein function. In summary, the available evidence is currently insufficient to determine the role of this variant in disease. Therefore, it has been classified as a Variant of Uncertain Significance.

NM_001297.5(CNGB1):c.3124C>T (p.Arg1042Cys)

Gene: CNGB1 (cyclic nucleotide gated channel subunit beta 1; minus strand). Cytogenetic location: 16q21.
Variant type: single nucleotide variant.
Coding change: c.3124C>T on transcript NM_001297.5 (MANE Select); coding-DNA position 3124, C replaced by T.
Protein change: p.Arg1042Cys; replaces arginine 1042 with cysteine.
Molecular consequence: missense variant.
Genome position (GRCh38, 1-based): chr16:57,897,515, G>A on the plus strand (C>T on the coding strand, the complement: CNGB1 is on the minus strand). VCF-style: chr16-57897515-G-A. GRCh37 (hg19) VCF-style: chr16-57931419-G-A.
Other names: c.3106C>T, p.Arg1036Cys (NM_001286130.2); short protein forms R1036C, R1042C.
Identifiers: ClinVar variation 1014095 (VCV001014095.8), dbSNP rs1241546157, ClinGen allele CA396066761.